The following is an entry in ClinVar:

ClinVar aggregate classification (germline): Uncertain significance. Review status: criteria provided, multiple submitters, no conflicts (2 of 4 stars). 2 submissions from 2 submitters: Uncertain significance (2). Last evaluated 2025-02-03.

Conditions:
Inborn genetic diseases. Identifiers: MedGen C0950123, MeSH D030342.

Allele frequency attached by ClinVar (database versions not stated): ExAC 0.00001.
gnomAD v4.1: 1 of 1,614,224 alleles (0.000062%); highest among the groups gnomAD compares: East Asian, 0.0022%; no homozygotes.

Submissions (2):

Ambry Genetics
Classification: Uncertain significance for Inborn genetic diseases. Last evaluated: 2025-02-03. Review status: criteria provided, single submitter. Criteria: Ambry Variant Classification Scheme 2023. Collection method: clinical testing. Allele origin: germline.
Comment: The p.R491T variant (also known as c.1472G>C), located in coding exon 6 of the MBD4 gene, results from a G to C substitution at nucleotide position 1472. The arginine at codon 491 is replaced by threonine, an amino acid with similar properties. This amino acid position is conserved. In addition, this alteration is predicted to be tolerated by in silico analysis. Based on the available evidence, the clinical significance of this variant remains unclear.

Labcorp Genetics (formerly Invitae), Labcorp
Classification: Uncertain significance. Last evaluated: 2023-12-28. Review status: criteria provided, single submitter. Criteria: Invitae Variant Classification Sherloc (09022015). Collection method: clinical testing. Allele origin: germline.
Comment: This sequence change replaces arginine, which is basic and polar, with threonine, which is neutral and polar, at codon 497 of the MBD4 protein (p.Arg497Thr). This variant is present in population databases (rs749745357, gnomAD 0.006%). This variant has not been reported in the literature in individuals affected with MBD4-related conditions. An algorithm developed to predict the effect of missense changes on protein structure and function (PolyPhen-2) suggests that this variant is likely to be disruptive. In summary, the available evidence is currently insufficient to determine the role of this variant in disease. Therefore, it has been classified as a Variant of Uncertain Significance.

NM_001276270.2(MBD4):c.1472G>C (p.Arg491Thr)

Gene: MBD4 (methyl-CpG binding domain 4, DNA glycosylase; minus strand). Cytogenetic location: 3q21.3.
Variant type: single nucleotide variant.
Coding change: c.1472G>C on transcript NM_001276270.2 (MANE Select); coding-DNA position 1472, G replaced by C.
Protein change: p.Arg491Thr; replaces arginine 491 with threonine.
Molecular consequence: missense variant.
Genome position (GRCh38, 1-based): chr3:129,433,169, C>G on the plus strand (G>C on the coding strand, the complement: MBD4 is on the minus strand). VCF-style: chr3-129433169-C-G. GRCh37 (hg19) VCF-style: chr3-129152012-C-G.
Other names: c.1490G>C, p.Arg497Thr (NM_003925.3, NM_001276271.2, NM_001276272.2); c.536G>C, p.Arg179Thr (NM_001276273.2); short protein forms R179T, R491T, R497T.
Identifiers: ClinVar variation 2705994 (VCV002705994.4), dbSNP rs749745357, ClinGen allele CA2605284.